The following is an entry in ClinVar:

ClinVar aggregate classification (germline): Uncertain significance (1 of 4 stars; one submission).

Conditions:
Fanconi anemia (FA). Also called: Fanconi's anemia. Identifiers: Orphanet 84, MedGen C0015625, MeSH D005199, MONDO:0019391.

gnomAD v4.1: 1 of 1,191,019 alleles (0.000084%); highest among the groups gnomAD compares: Non-Finnish European, 0.00011%; no homozygotes.

Submission:

Labcorp Genetics (formerly Invitae), Labcorp
Classification: Uncertain significance for Fanconi anemia. Last evaluated: 2025-11-17. Review status: criteria provided, single submitter. Criteria: Invitae Variant Classification Sherloc (09022015). Collection method: clinical testing. Allele origin: germline.
Comment: This sequence change replaces valine, which is neutral and non-polar, with isoleucine, which is neutral and non-polar, at codon 475 of the FANCB protein (p.Val475Ile). This variant is not present in population databases (gnomAD no frequency). This variant has not been reported in the literature in individuals affected with FANCB-related conditions. Invitae Evidence Modeling of protein sequence and biophysical properties (such as structural, functional, and spatial information, amino acid conservation, physicochemical variation, residue mobility, and thermodynamic stability) indicates that this missense variant is not expected to disrupt FANCB protein function with a negative predictive value of 80%. In summary, the available evidence is currently insufficient to determine the role of this variant in disease. Therefore, it has been classified as a Variant of Uncertain Significance.

NM_001018113.3(FANCB):c.1423G>A (p.Val475Ile)

Gene: FANCB (FA complementation group B; minus strand). Cytogenetic location: Xp22.2.
Variant type: single nucleotide variant.
Coding change: c.1423G>A on transcript NM_001018113.3 (MANE Select); coding-DNA position 1423, G replaced by A.
Protein change: p.Val475Ile; replaces valine 475 with isoleucine.
Molecular consequence: missense variant.
Genome position (GRCh38, 1-based): chrX:14,850,578, C>T on the plus strand (G>A on the coding strand, the complement: FANCB is on the minus strand). VCF-style: chrX-14850578-C-T. GRCh37 (hg19) VCF-style: chrX-14868700-C-T.
Other names: c.1423G>A, p.Val475Ile (NM_001324162.2, NM_001410764.1, NM_152633.4); short protein forms V475I.
Identifiers: ClinVar variation 4743042 (VCV004743042.1).